The following is an entry in ClinVar:

ClinVar aggregate classification (germline): Pathogenic (1 of 4 stars; one submission).

Submission:

Labcorp Genetics (formerly Invitae), Labcorp
Classification: Pathogenic. Last evaluated: 2025-05-12. Review status: criteria provided, single submitter. Criteria: Invitae Variant Classification Sherloc (09022015). Collection method: clinical testing. Allele origin: germline.
Comment: This sequence change creates a premature translational stop signal (p.Pro101Leufs*12) in the TET2 gene. It is expected to result in an absent or disrupted protein product. Loss-of-function variants in TET2 are known to be pathogenic (PMID: 36066697). This variant is not present in population databases (gnomAD no frequency). This variant has not been reported in the literature in individuals affected with TET2-related conditions. ClinVar contains an entry for this variant (Variation ID: 3652043). Algorithms developed to predict the effect of sequence changes on RNA splicing suggest that this variant may create or strengthen a splice site. For these reasons, this variant has been classified as Pathogenic.

Literature cited by the submitters: PubMed 36066697.

NM_001127208.3(TET2):c.302del (p.Pro101fs)

Genes: TET2 (tet methylcytosine dioxygenase 2; plus strand), TET2-AS1 (TET2 antisense RNA 1; minus strand). Cytogenetic location: 4q24.
Variant type: Deletion.
Coding change: c.302del on transcript NM_001127208.3 (MANE Select); coding-DNA position 302, one base deleted (C; older notation c.302delC).
Protein change: p.Pro101fs; shifts the reading frame from proline 101.
Molecular consequence: frameshift variant.
Genome position (GRCh38, 1-based): chr4:105,234,244, C deleted; the last of 2 consecutive C bases (chr4:105,234,243-105,234,244); deleting either gives the same sequence. VCF-style (leftmost placement, unchanged base first): chr4-105234242-AC-A. GRCh37 (hg19) VCF-style: chr4-106155399-AC-A.
Other names: c.302del, p.Pro101fs (NM_017628.4); short protein forms P101fs.
Identifiers: ClinVar variation 3652043 (VCV003652043.2).